The following is an entry in ClinVar:

NM_000368.5(TSC1):c.460T>G (p.Phe154Val)

Gene: TSC1 (TSC complex subunit 1; minus strand). Cytogenetic location: 9q34.13.
Variant type: single nucleotide variant.
Coding change: c.460T>G on transcript NM_000368.5 (MANE Select); coding-DNA position 460, T replaced by G.
Protein change: p.Phe154Val; replaces phenylalanine 154 with valine.
Molecular consequence: missense variant. On other transcripts: 5 prime UTR variant (5), non-coding transcript variant (5).
Genome position (GRCh38, 1-based): chr9:132,923,396, A>C on the plus strand (T>G on the coding strand, the complement: TSC1 is on the minus strand). VCF-style: chr9-132923396-A-C. GRCh37 (hg19) VCF-style: chr9-135798783-A-C.
Other names: c.460T>G, p.Phe154Val (NM_001406596.1, NM_001406597.1, NM_001406598.1 and 16 more transcripts); c.97T>G, p.Phe33Val (NM_001406615.1, NM_001406616.1, NM_001406617.1 and 10 more transcripts); c.307T>G, p.Phe103Val (NM_001162427.2, NM_001406610.1, NM_001406611.1 and 2 more transcripts); c.-418T>G (NM_001406626.1, NM_001406627.1, NM_001406628.1); c.-560T>G (NM_001406629.1); c.-634T>G (NM_001406630.1); short protein forms F103V, F154V, F33V.
Identifiers: ClinVar variation 4866037 (VCV004866037.1).

ClinVar aggregate classification (germline): Uncertain significance (1 of 4 stars; one submission).

Conditions:
Hereditary cancer-predisposing syndrome. Also called: Neoplastic Syndromes, Hereditary; Tumor predisposition; Hereditary Cancer Syndrome; Hereditary neoplastic syndrome. Identifiers: Orphanet 140162, MedGen C0027672, MeSH D009386, MONDO:0015356.

Submission:

Ambry Genetics
Classification: Uncertain significance for Hereditary cancer-predisposing syndrome. Last evaluated: 2026-05-14. Review status: criteria provided, single submitter. Criteria: Ambry Variant Classification Scheme 2023. Collection method: clinical testing. Allele origin: germline.
Comment: The p.F154V variant (also known as c.460T>G), located in coding exon 4 of the TSC1 gene, results from a T to G substitution at nucleotide position 460. The phenylalanine at codon 154 is replaced by valine, an amino acid with highly similar properties. This amino acid position is conserved. In addition, this alteration is predicted to be deleterious by in silico analysis. Based on the available evidence, the clinical significance of this variant remains unclear.